The following is an entry in ClinVar:

NM_000179.3(MSH6):c.2561A>G (p.Lys854Arg)

Gene: MSH6 (mutS homolog 6; plus strand). Cytogenetic location: 2p16.3.
Variant type: single nucleotide variant.
Coding change: c.2561A>G on transcript NM_000179.3 (MANE Select); coding-DNA position 2561, A replaced by G.
Protein change: p.Lys854Arg; replaces lysine 854 with arginine.
Molecular consequence: missense variant. On other transcripts: non-coding transcript variant (5), intron variant (3).
Genome position (GRCh38, 1-based): chr2:47,800,544, A>G. VCF-style: chr2-47800544-A-G. GRCh37 (hg19) VCF-style: chr2-48027683-A-G.
Other names: c.2171A>G, p.Lys724Arg (NM_001281492.2); c.1655A>G, p.Lys552Arg (NM_001281493.2, NM_001281494.2, NM_001406811.1 and 6 more transcripts); c.2657A>G, p.Lys886Arg (NM_001406795.1, NM_001406802.1); c.2561A>G, p.Lys854Arg (NM_001406796.1, NM_001406798.1, NM_001406800.1 and 2 more transcripts); c.2264A>G, p.Lys755Arg (NM_001406797.1, NM_001406801.1, NM_001406805.1 and 10 more transcripts); c.2036A>G, p.Lys679Arg (NM_001406799.1, NM_001406806.1, NM_001406807.1); c.2483A>G, p.Lys828Arg (NM_001406804.1); c.2567A>G, p.Lys856Arg (NM_001406813.1); and 4 more; short protein forms K552R, K679R, K724R, K755R, K798R, K828R, K854R, K856R.
Identifiers: ClinVar variation 3230534 (VCV003230534.2), dbSNP rs34374438, ClinGen allele CA346754660.
Genomic context (GRCh38, chr2:47,800,544, plus strand): 5'-GTCAGAACCACCCAGACAGCAGGGCTATAATGTATGAAGAAACTACATACAGCAAGAAGA[A>G]GATTATTGATTTTCTTTCTGCTCTGGAAGGATTCAAAGTAATGTGTAAAATTATAGGGAT-3'
Protein context (NP_000170.1, residues 844-864): MYEETTYSKK[Lys854Arg]IIDFLSALEG

ClinVar aggregate classification (germline): Uncertain significance. Review status: criteria provided, multiple submitters, no conflicts (2 of 4 stars). 2 submissions from 2 submitters: Uncertain significance (2). Last evaluated 2025-07-02.

Conditions:
Hereditary nonpolyposis colorectal neoplasms. Identifiers: MedGen C0009405, MeSH D003123.
Hereditary cancer-predisposing syndrome. Also called: Neoplastic Syndromes, Hereditary; Tumor predisposition; Hereditary neoplastic syndrome; Hereditary Cancer Syndrome. Identifiers: Orphanet 140162, MedGen C0027672, MeSH D009386, MONDO:0015356.

Submissions (2):

Labcorp Genetics (formerly Invitae), Labcorp
Classification: Uncertain significance for Hereditary nonpolyposis colorectal neoplasms. Last evaluated: 2025-07-02. Review status: criteria provided, single submitter. Criteria: Invitae Variant Classification Sherloc (09022015). Collection method: clinical testing. Allele origin: germline.
Comment: This sequence change replaces lysine, which is basic and polar, with arginine, which is basic and polar, at codon 854 of the MSH6 protein (p.Lys854Arg). This variant is not present in population databases (gnomAD no frequency). This variant has not been reported in the literature in individuals affected with MSH6-related conditions. ClinVar contains an entry for this variant (Variation ID: 3230534). Invitae Evidence Modeling of protein sequence and biophysical properties (such as structural, functional, and spatial information, amino acid conservation, physicochemical variation, residue mobility, and thermodynamic stability) indicates that this missense variant is not expected to disrupt MSH6 protein function with a negative predictive value of 95%. In summary, the available evidence is currently insufficient to determine the role of this variant in disease. Therefore, it has been classified as a Variant of Uncertain Significance.

Ambry Genetics
Classification: Uncertain significance for Hereditary cancer-predisposing syndrome. Last evaluated: 2024-02-21. Review status: criteria provided, single submitter. Criteria: Ambry Variant Classification Scheme 2023. Collection method: clinical testing. Allele origin: germline.
Comment: The p.K854R variant (also known as c.2561A>G), located in coding exon 4 of the MSH6 gene, results from an A to G substitution at nucleotide position 2561. The lysine at codon 854 is replaced by arginine, an amino acid with highly similar properties. This amino acid position is highly conserved in available vertebrate species. In addition, the in silico prediction for this alteration is inconclusive. Based on the available evidence, the clinical significance of this alteration remains unclear.